The following is an entry in ClinVar:

NM_023067.4(FOXL2):c.840_850dup (p.Pro284fs)

Gene: FOXL2 (forkhead box L2; minus strand). Cytogenetic location: 3q22.3.
Variant type: Duplication.
Coding change: c.840_850dup on transcript NM_023067.4 (MANE Select); coding-DNA positions 840 to 850, 11 bases duplicated (GCCGGCCGCAC).
Protein change: p.Pro284fs; shifts the reading frame from proline 284.
Molecular consequence: frameshift variant.
Genome position (GRCh38, 1-based): chr3:138,945,873-138,945,883, GTGCGGCCGGC duplicated on the plus strand (GCCGGCCGCAC on the coding strand, the reverse complement: FOXL2 is on the minus strand); duplicating any 11 consecutive bases within chr3:138,945,873-138,945,884 gives the same sequence; the c. name uses the placement nearest the transcript's 3' end. VCF-style (leftmost placement, unchanged base first): chr3-138945872-G-GGTGCGGCCGGC. GRCh37 (hg19) VCF-style: chr3-138664714-G-GGTGCGGCCGGC.
Other names: short protein forms P284fs.
Identifiers: ClinVar variation 2715439 (VCV002715439.3), dbSNP rs2473812150, ClinGen allele CA2697556890.

ClinVar aggregate classification (germline): Pathogenic (1 of 4 stars; one submission).

Submission:

Labcorp Genetics (formerly Invitae), Labcorp
Classification: Pathogenic. Last evaluated: 2023-06-15. Review status: criteria provided, single submitter. Criteria: Invitae Variant Classification Sherloc (09022015). Collection method: clinical testing. Allele origin: germline.
Comment: This variant disrupts a region of the FOXL2 protein in which other variant(s) (p.Pro307Hisfs*52) have been determined to be pathogenic (PMID: 11468277). This suggests that this is a clinically significant region of the protein, and that variants that disrupt it are likely to be disease-causing. For these reasons, this variant has been classified as Pathogenic. This sequence change creates a premature translational stop signal (p.Pro284Argfs*76) in the FOXL2 gene. While this is not anticipated to result in nonsense mediated decay, it is expected to disrupt the last 93 amino acid(s) of the FOXL2 protein. This variant has not been reported in the literature in individuals affected with FOXL2-related conditions. The frequency data for this variant in the population databases is considered unreliable, as metrics indicate insufficient coverage at this position in the gnomAD database.

Literature cited by the submitters: PubMed 11468277.